The following is an entry in ClinVar:

ClinVar aggregate classification (germline): Uncertain significance (1 of 4 stars; one submission).

Submission:

Labcorp Genetics (formerly Invitae), Labcorp
Classification: Uncertain significance. Last evaluated: 2023-11-27. Review status: criteria provided, single submitter. Criteria: Invitae Variant Classification Sherloc (09022015). Collection method: clinical testing. Allele origin: germline.
Comment: This sequence change replaces serine, which is neutral and polar, with glycine, which is neutral and non-polar, at codon 440 of the IFNAR2 protein (p.Ser440Gly). This variant is not present in population databases (gnomAD no frequency). This variant has not been reported in the literature in individuals affected with IFNAR2-related conditions. ClinVar contains an entry for this variant (Variation ID: 2026489). An algorithm developed to predict the effect of missense changes on protein structure and function (PolyPhen-2) suggests that this variant is likely to be disruptive. In summary, the available evidence is currently insufficient to determine the role of this variant in disease. Therefore, it has been classified as a Variant of Uncertain Significance.

NM_001289125.3(IFNAR2):c.1318A>G (p.Ser440Gly)

Genes: IFNAR2 (interferon alpha and beta receptor subunit 2; plus strand), IFNAR2-IL10RB (IFNAR2-IL10RB readthrough; plus strand). Cytogenetic location: 21q22.11.
Variant type: single nucleotide variant.
Coding change: c.1318A>G on transcript NM_001289125.3 (MANE Select); coding-DNA position 1318, A replaced by G.
Protein change: p.Ser440Gly; replaces serine 440 with glycine.
Molecular consequence: missense variant. On other transcripts: 3 prime UTR variant (5).
Genome position (GRCh38, 1-based): chr21:33,263,270, A>G. VCF-style: chr21-33263270-A-G. GRCh37 (hg19) VCF-style: chr21-34635575-A-G.
Other names: c.*554A>G (NM_000874.5, NM_207584.3); c.*467A>G (NM_001289126.2, NM_001289128.2); c.*693A>G (NM_001385054.1); c.1318A>G, p.Met440Val (NM_001385055.1); c.1318A>G, p.Ser440Gly (NM_207585.3); short protein forms M440V, S440G.
Identifiers: ClinVar variation 2026489 (VCV002026489.4), dbSNP rs2516765310, ClinGen allele CA410105638.